The following is an entry in ClinVar:

ClinVar aggregate classification (germline): Uncertain significance (1 of 4 stars; one submission).

Allele frequency attached by ClinVar (database versions not stated): TOPMed below 0.00001.

Submission:

Labcorp Genetics (formerly Invitae), Labcorp
Classification: Uncertain significance. Last evaluated: 2022-06-13. Review status: criteria provided, single submitter. Criteria: Invitae Variant Classification Sherloc (09022015). Collection method: clinical testing. Allele origin: germline.
Comment: This sequence change replaces glutamic acid, which is acidic and polar, with glycine, which is neutral and non-polar, at codon 83 of the CIB2 protein (p.Glu83Gly). This variant is not present in population databases (gnomAD no frequency). This variant has not been reported in the literature in individuals affected with CIB2-related conditions. Algorithms developed to predict the effect of missense changes on protein structure and function are either unavailable or do not agree on the potential impact of this missense change (SIFT: "Not Available"; PolyPhen-2: "Benign"; Align-GVGD: "Not Available"). In summary, the available evidence is currently insufficient to determine the role of this variant in disease. Therefore, it has been classified as a Variant of Uncertain Significance.

NM_006383.4(CIB2):c.248A>G (p.Glu83Gly)

Gene: CIB2 (calcium and integrin binding family member 2; minus strand). Cytogenetic location: 15q25.1.
Variant type: single nucleotide variant.
Coding change: c.248A>G on transcript NM_006383.4 (MANE Select); coding-DNA position 248, A replaced by G.
Protein change: p.Glu83Gly; replaces glutamic acid 83 with glycine.
Molecular consequence: missense variant. On other transcripts: non-coding transcript variant (1).
Genome position (GRCh38, 1-based): chr15:78,109,333, T>C on the plus strand (A>G on the coding strand, the complement: CIB2 is on the minus strand). VCF-style: chr15-78109333-T-C. GRCh37 (hg19) VCF-style: chr15-78401675-T-C.
Other names: c.119A>G, p.Glu40Gly (NM_001271888.2); c.101A>G, p.Glu34Gly (NM_001271889.2); c.263A>G, p.Glu88Gly (NM_001301224.2); short protein forms E88G, E34G, E83G, E40G.
Identifiers: ClinVar variation 1512247 (VCV001512247.3), dbSNP rs2074119923, ClinGen allele CA393546959.